The following is an entry in ClinVar:

NM_014000.3(VCL):c.2887A>C (p.Asn963His)

Gene: VCL (vinculin; plus strand). Cytogenetic location: 10q22.2.
Variant type: single nucleotide variant.
Coding change: c.2887A>C on transcript NM_014000.3 (MANE Select); coding-DNA position 2887, A replaced by C.
Protein change: p.Asn963His; replaces asparagine 963 with histidine.
Molecular consequence: missense variant. On other transcripts: intron variant (1).
Genome position (GRCh38, 1-based): chr10:74,112,050, A>C. VCF-style: chr10-74112050-A-C. GRCh37 (hg19) VCF-style: chr10-75871808-A-C.
Other names: c.2746-2134A>C (NM_003373.4); short protein forms N963H.
Identifiers: ClinVar variation 1418003 (VCV001418003.6), dbSNP rs777702397, ClinGen allele CA377264806.

ClinVar aggregate classification (germline): Uncertain significance (1 of 4 stars; one submission).

Conditions:
Dilated cardiomyopathy 1W (CMD1W). Identifiers: Orphanet 154, MedGen C1969639, MONDO:0012667, OMIM 611407.

Submission:

Labcorp Genetics (formerly Invitae), Labcorp
Classification: Uncertain significance for Dilated cardiomyopathy 1W. Last evaluated: 2021-01-15. Review status: criteria provided, single submitter. Criteria: Invitae Variant Classification Sherloc (09022015). Collection method: clinical testing. Allele origin: germline.
Comment: This variant has not been reported in the literature in individuals with VCL-related conditions. This variant is not present in population databases (ExAC no frequency). This sequence change replaces asparagine with histidine at codon 963 of the VCL protein (p.Asn963His). The asparagine residue is highly conserved and there is a small physicochemical difference between asparagine and histidine. Algorithms developed to predict the effect of missense changes on protein structure and function are either unavailable or do not agree on the potential impact of this missense change (SIFT: "Not Available"; PolyPhen-2: "Possibly Damaging"; Align-GVGD: "Not Available"). In summary, the available evidence is currently insufficient to determine the role of this variant in disease. Therefore, it has been classified as a Variant of Uncertain Significance.